The following is an entry in ClinVar:

NM_001353345.2(SETD1B):c.3910+2dup

Gene: SETD1B (SET domain containing 1B, histone lysine methyltransferase; plus strand). Cytogenetic location: 12q24.31.
Variant type: Duplication.
Coding change: c.3910+2dup on transcript NM_001353345.2 (MANE Select); the canonical splice donor site of the intron after coding-DNA position 3910, one base duplicated (T; older notation c.3910+2dupT).
Molecular consequence: splice donor variant.
Genome position (GRCh38, 1-based): chr12:121,819,897, T duplicated. VCF-style (leftmost placement, unchanged base first): chr12-121819896-G-GT. GRCh37 (hg19) VCF-style: chr12-122257802-G-GT.
Identifiers: ClinVar variation 4532382 (VCV004532382.1).
Genomic context (GRCh38, chr12:121,819,896, plus strand): 5'-CAGAGCCCCCTGCCAAGGAGGTGGAGGCTCGACCCCCATTGTCCCCTGAGCGAGCTCCAG[G>GT]TAACACCTGCAACCCCCTGGGAGGGTGGTGGGAGGGAGGCAGGAAGTCCTCACTGTCAGA-3'

ClinVar aggregate classification (germline): Uncertain significance (1 of 4 stars; one submission).

Submission:

GeneDx
Classification: Uncertain significance. Last evaluated: 2025-05-28. Review status: criteria provided, single submitter. Criteria: GeneDx Variant Classification Process June 2021. Collection method: clinical testing. Allele origin: germline. Affected: yes.
Comment: Not observed at significant frequency in large population cohorts (gnomAD); RNA studies demonstrate no damaging effect: no significant changes in transcript levels or splicing patterns when compared to tissue-matched comparators (External communication with another laboratory); Has not been previously published as pathogenic or benign to our knowledge